The following is an entry in ClinVar:

NM_001105206.3(LAMA4):c.651C>T (p.Thr217=)

Gene: LAMA4 (laminin subunit alpha 4; minus strand). Cytogenetic location: 6q21.
Variant type: single nucleotide variant.
Coding change: c.651C>T on transcript NM_001105206.3 (MANE Select); coding-DNA position 651, C replaced by T.
Protein change: p.Thr217=; no amino-acid change (threonine 217 retained).
Molecular consequence: synonymous variant.
Genome position (GRCh38, 1-based): chr6:112,191,703, G>A on the plus strand (C>T on the coding strand, the complement: LAMA4 is on the minus strand). VCF-style: chr6-112191703-G-A. GRCh37 (hg19) VCF-style: chr6-112512905-G-A.
Other names: p.T217T:ACC>ACT; c.651C>T, p.Thr217= (NM_001105207.3, NM_002290.5); c.651C>T (NM_001105206.2).
Identifiers: ClinVar variation 44409 (VCV000044409.18), dbSNP rs2072021, ClinGen allele CA282407.
Genomic context (GRCh38, chr6:112,191,703, plus strand): 5'-GTTCTTGGCTATCCTGGCGTCCCCATAGTAGCCAGGAGCGCAACGTTCACACTTGAATCC[G>A]GTGGTGTTGCGTAAGCAATTCCTACACTGGCCAGTGACTTCATCACAATCTTCAAAGATC-3'
Protein context (NP_001098676.2, residues 207-227): GQCRNCLRNT[Thr217=]GFKCERCAPG

ClinVar aggregate classification (germline): Benign. Review status: criteria provided, multiple submitters, no conflicts (2 of 4 stars). 7 submissions from 7 submitters: Benign (5). 2 of the submissions do not count toward it. Last evaluated 2026-02-04.

Conditions:
Dilated cardiomyopathy 1JJ (CMD1JJ). Identifiers: Orphanet 154, MedGen C3808935, MONDO:0014095, OMIM 615235.

Allele frequency attached by ClinVar (database versions not stated): gnomAD 0.26664 and 0.26364; TOPMed 0.26725; 1000 Genomes Project 0.31689; gnomAD exomes 0.15030 and 0.18916; ExAC 0.19815; ESP Exome Variant Server 0.25750; 1000 Genomes Project 30x 0.32402.
gnomAD v4.1: 260,641 of 1,613,544 alleles (16%); highest among the groups gnomAD compares: African/African-American, 55%; 29,420 homozygotes.

Submissions (7):

Labcorp Genetics (formerly Invitae), Labcorp
Classification: Benign for Dilated cardiomyopathy 1JJ. Last evaluated: 2026-02-04. Review status: criteria provided, single submitter. Criteria: Invitae Variant Classification Sherloc (09022015). Collection method: clinical testing. Allele origin: germline.

Women's Health and Genetics/Laboratory Corporation of America, LabCorp
Classification: Benign. Last evaluated: 2023-04-09. Review status: criteria provided, single submitter. Criteria: LabCorp Variant Classification Summary - May 2015. Collection method: clinical testing. Allele origin: germline.

GeneDx
Classification: Benign. Last evaluated: 2013-11-20. Review status: criteria provided, single submitter. Criteria: GeneDx Variant Classification (06012015). Collection method: clinical testing. Allele origin: germline. Affected: yes.
Comment: This variant is considered likely benign or benign based on one or more of the following criteria: it is a conservative change, it occurs at a poorly conserved position in the protein, it is predicted to be benign by multiple in silico algorithms, and/or has population frequency not consistent with disease.

Laboratory for Molecular Medicine, Mass General Brigham Personalized Medicine
Classification: Benign. Last evaluated: 2011-09-16. Review status: criteria provided, single submitter. Criteria: LMM Criteria. Collection method: clinical testing. Allele origin: germline. Observed: 562 variant alleles.

PreventionGenetics, part of Exact Sciences
Classification: Benign. Review status: criteria provided, single submitter. Criteria: ACMG Guidelines, 2015. Collection method: clinical testing. Allele origin: germline.

Clinical Genetics, Academic Medical Center
Classification: Benign. Review status: no assertion criteria provided. Collection method: clinical testing. Allele origin: germline. Affected: yes. Study: VKGL Data-share Consensus. Not counted in ClinVar's aggregate classification.

Joint Genome Diagnostic Labs from Nijmegen and Maastricht, Radboudumc and MUMC+
Classification: Benign. Review status: no assertion criteria provided. Collection method: clinical testing. Allele origin: germline. Affected: yes. Study: VKGL Data-share Consensus. Not counted in ClinVar's aggregate classification.